The following is an entry in ClinVar:

GRCh38/hg38 7q36.3(chr7:158082354-158565728)x1

Genes: MIR595 (microRNA 595; minus strand), PTPRN2 (protein tyrosine phosphatase receptor type N2; minus strand), LOC110599567 (D7S22 minisatellite repeat instability region; plus strand), LOC113687208 (Sharpr-MPRA regulatory region 5343; plus strand), LOC114004407 (Sharpr-MPRA regulatory region 11620; plus strand) and 5 more. Cytogenetic location: 7q36.3.
Variant type: copy number loss.
Change: copy number 1 (one copy instead of two) of chr7:158,082,354-158,565,728 (483.4 kb, GRCh38 coordinates, 1-based), cytogenetic band 7q36.3.
Identifiers: ClinVar variation 58953 (VCV000058953.2).

ClinVar aggregate classification (germline): Likely benign (0 of 4 stars; one submission).

Submission:

ISCA site 1
Classification: Likely benign. Last evaluated: 2011-05-06. Review status: no assertion criteria provided. Collection method: clinical testing. Allele origin: maternal. Affected: yes. Observed: 1 variant allele.
Comment: Copy number variation identified through the course of routine clinical cytogenomic testing in postnatal populations. Clinical assertions have been curated as described in Kaminsky et al. 2011.

Copy number variation identified through the course of routine clinical cytogenomic testing in postnatal populations. Clinical assertions have been curated as described in Kaminsky, et al. 2011 (PubMed 21844811). For additional ClinGen data, please see nstd37.